The following is an entry in ClinVar:

ClinVar aggregate classification (germline): Benign. Review status: criteria provided, single submitter (1 of 4 stars). 2 submissions from 2 submitters: Benign (1). 1 of the submissions does not count toward it. Last evaluated 2025-11-03.

Conditions:
PCLO-related disorder. Also called: PCLO-related condition.

Allele frequency attached by ClinVar (database versions not stated): TOPMed 0.00023; 1000 Genomes Project 30x 0.00094; 1000 Genomes Project 0.00120.
gnomAD v4.1: 790 of 1,613,324 alleles (0.049%); highest among the groups gnomAD compares: East Asian, 1.7%; 6 homozygotes.

Submissions (2):

Labcorp Genetics (formerly Invitae), Labcorp
Classification: Benign. Last evaluated: 2025-11-03. Review status: criteria provided, single submitter. Criteria: Invitae Variant Classification Sherloc (09022015). Collection method: clinical testing. Allele origin: germline.

PreventionGenetics, part of Exact Sciences
Classification: Likely benign for PCLO-related condition. Last evaluated: 2020-05-18. Review status: no assertion criteria provided. Collection method: clinical testing. Allele origin: germline. Not counted in ClinVar's aggregate classification.
Comment: This variant is classified as likely benign based on ACMG/AMP sequence variant interpretation guidelines (Richards et al. 2015 PMID: 25741868, with internal and published modifications).

NM_033026.6(PCLO):c.586G>T (p.Val196Phe)

Gene: PCLO (piccolo presynaptic cytomatrix protein; minus strand). Cytogenetic location: 7q21.11.
Variant type: single nucleotide variant.
Coding change: c.586G>T on transcript NM_033026.6 (MANE Select); coding-DNA position 586, G replaced by T.
Protein change: p.Val196Phe; replaces valine 196 with phenylalanine.
Molecular consequence: missense variant.
Genome position (GRCh38, 1-based): chr7:83,156,055, C>A on the plus strand (G>T on the coding strand, the complement: PCLO is on the minus strand). VCF-style: chr7-83156055-C-A. GRCh37 (hg19) VCF-style: chr7-82785371-C-A.
Other names: c.586G>T, p.Val196Phe (NM_014510.3); c.586G>T (NM_033026.5); short protein forms V196F.
Identifiers: ClinVar variation 1573632 (VCV001573632.10), dbSNP rs143264629, ClinGen allele CA4321639.
Genomic context (GRCh38, chr7:83,156,055, plus strand): 5'-GTGGCTGTTGTTGTAAAGGAGGTTTTATGATTCCTTCAGGTTTTCCTTGCTCCTTCTGAA[C>A]CACTTTTTGTTTCTTGGTGGTTTCTTCCTGGGATGCCTCAGAGTCTGATATCAAATCAAA-3'
Protein context (NP_149015.2, residues 186-206): QEETTKKQKV[Val196Phe]QKEQGKPEGI